The following is an entry in ClinVar:

ClinVar aggregate classification (germline): Pathogenic. Review status: criteria provided, multiple submitters, no conflicts (2 of 4 stars). 9 submissions from 9 submitters: Pathogenic (8). 1 of the submissions does not count toward it. Last evaluated 2025-10-21.

Conditions:
Tuberous sclerosis 1 (TSC1). Identifiers: Orphanet 805, MedGen C1854465, MONDO:0008612, OMIM 191100.
Hereditary cancer-predisposing syndrome. Also called: Neoplastic Syndromes, Hereditary; Tumor predisposition; Hereditary Cancer Syndrome; Hereditary neoplastic syndrome. Identifiers: Orphanet 140162, MedGen C0027672, MeSH D009386, MONDO:0015356.
Tuberous sclerosis syndrome (TSC). Also called: Tuberous Sclerosis Complex; Tuberous sclerosis. Identifiers: Orphanet 805, MedGen C0041341, MONDO:0001734.
Isolated focal cortical dysplasia type II (FCORD2). Also called: CORTICAL DYSPLASIA OF TAYLOR; Focal cortical dysplasia type II. Identifiers: Orphanet 268994, MedGen C1846385, MONDO:0011818, OMIM 607341, HP:0032051.

Submissions (9):

NHS Central & South Genomic Laboratory Hub
Classification: Pathogenic for Tuberous sclerosis. Last evaluated: 2025-10-21. Review status: criteria provided, single submitter. Criteria: ACMG Guidelines, 2015. Collection method: clinical testing. Allele origin: germline. Affected: yes.

Ambry Genetics
Classification: Pathogenic for Hereditary cancer-predisposing syndrome. Last evaluated: 2025-06-11. Review status: criteria provided, single submitter. Criteria: Ambry Variant Classification Scheme 2023. Collection method: clinical testing. Allele origin: germline.
Comment: The c.2111_2112delAT pathogenic mutation, located in coding exon 15 of the TSC1 gene, results from a deletion of two nucleotides at nucleotide positions 2111 to 2112, causing a translational frameshift with a predicted alternate stop codon (p.Y704*). This variant was reported in individual(s) with features consistent with tuberous sclerosis complex (TSC) (van Slegtenhorst M et al. Science, 1997 Aug;277:805-8; Ali M et al. Acta Neurol Scand, 2005 Jan;111:54-63; Tyburczy ME et al. PLoS Genet, 2015 Nov;11:e1005637; Papadopoulou A et al. Eur J Paediatr Neurol, 2018 May;22:419-426; Ambry internal data). Note, this variant is also referred to as 2332delAT in the literature. This variant is considered to be rare based on population cohorts in the Genome Aggregation Database (gnomAD). In addition to the clinical data presented in the literature, this alteration is expected to result in loss of function by premature protein truncation or nonsense-mediated mRNA decay. As such, this alteration is interpreted as a disease-causing mutation.

Cambridge Genomics Laboratory, East Genomic Laboratory Hub, NHS Genomic Medicine Service
Classification: Pathogenic for Tuberous sclerosis. Last evaluated: 2024-11-07. Review status: criteria provided, single submitter. Criteria: ACGS Best Practice Guidelines for Variant Classification in Rare Disease 2020. Collection method: clinical testing. Allele origin: germline. Affected: yes.
Comment: PVS1,PM2

Labcorp Genetics (formerly Invitae), Labcorp
Classification: Pathogenic for Tuberous sclerosis 1. Last evaluated: 2024-10-30. Review status: criteria provided, single submitter. Criteria: Invitae Variant Classification Sherloc (09022015). Collection method: clinical testing. Allele origin: germline.
Comment: This sequence change creates a premature translational stop signal (p.Tyr704*) in the TSC1 gene. It is expected to result in an absent or disrupted protein product. Loss-of-function variants in TSC1 are known to be pathogenic (PMID: 10227394, 17304050). This variant is not present in population databases (gnomAD no frequency). This premature translational stop signal has been observed in individuals with tuberous sclerosis complex (PMID: 9242607, 15595939, 26540169). This variant is also known as 2332delAT. ClinVar contains an entry for this variant (Variation ID: 48905). For these reasons, this variant has been classified as Pathogenic.

Baylor Genetics
Classification: Pathogenic for Isolated focal cortical dysplasia type II. Last evaluated: 2022-06-13. Review status: criteria provided, single submitter. Criteria: ACMG Guidelines, 2015. Collection method: clinical testing. Allele origin: unknown.

GeneDx
Classification: Pathogenic. Last evaluated: 2022-03-07. Review status: criteria provided, single submitter. Criteria: GeneDx Variant Classification Process June 2021. Collection method: clinical testing. Allele origin: germline. Affected: yes.
Comment: Nonsense variant predicted to result in protein truncation or nonsense mediated decay in a gene for which loss-of-function is a known mechanism of disease; Not observed at significant frequency in large population cohorts (gnomAD); This variant is associated with the following publications: (PMID: 12436247, 26540169, 17304050, 9803264, 15595939, 10363127, 29500070, 32647919, 9242607)

Genome-Nilou Lab
Classification: Pathogenic for Tuberous sclerosis 1. Last evaluated: 2021-11-07. Review status: criteria provided, single submitter. Criteria: ACMG Guidelines, 2015. Collection method: clinical testing. Allele origin: germline. Affected: no.

Oasi Research Institute-IRCCS
Classification: Pathogenic for Tuberous sclerosis 1. Review status: criteria provided, single submitter. Criteria: ACMG Guidelines, 2015. Collection method: research. Allele origin: inherited. Affected: yes.
Comment: The genomic variant c.2111_2112delAT is a frameshift mutation resulting from the deletion of two nucleotides.This variant creates a premature translational stop signal and is expected to result in a protein truncation or nonsense-mediated decay. ACMG criteria: PVS1 (LOF), PP4 (phenotype match), PM2 (absent from controls), PP3 (in silico evidence), PS4 (affected individuals) = Pathogenic. Based on the evidence outlined above, the variant was classified as Pathogenic.

Tuberous sclerosis database (TSC1)
No classification provided. Condition: TSC. Review status: no classification provided. Criteria: Tuberous Sclerosis Database Assertion Criteria 2015. Collection method: curation. Allele origin: germline. Affected: yes. Not counted in ClinVar's aggregate classification.

Literature cited by the submitters: PubMed 15595939 (cited by Ambry Genetics and Labcorp Genetics (formerly Invitae), Labcorp); PubMed 26540169 (cited by Ambry Genetics and Labcorp Genetics (formerly Invitae), Labcorp); PubMed 29500070 (cited by Ambry Genetics); PubMed 9242607 (cited by Ambry Genetics and Labcorp Genetics (formerly Invitae), Labcorp); PubMed 10227394 (cited by Labcorp Genetics (formerly Invitae), Labcorp); PubMed 17304050 (cited by Labcorp Genetics (formerly Invitae), Labcorp).

NM_000368.5(TSC1):c.2111_2112del (p.Leu703_Tyr704insTer)

Gene: TSC1 (TSC complex subunit 1; minus strand). Cytogenetic location: 9q34.13.
Variant type: Deletion.
Coding change: c.2111_2112del on transcript NM_000368.5 (MANE Select); coding-DNA positions 2111 to 2112, 2 bases deleted (AT; older notation c.2111_2112delAT).
Protein change: p.Leu703_Tyr704insTer.
Molecular consequence: nonsense.
Genome position (GRCh38, 1-based): chr9:132,903,747-132,903,748, AT deleted on the plus strand (AT on the coding strand, the reverse complement: TSC1 is on the minus strand); deleting any 2 consecutive bases within chr9:132,903,747-132,903,749 gives the same sequence; the c. name uses the placement nearest the transcript's 3' end. VCF-style (leftmost placement, unchanged base first): chr9-132903746-CAT-C. GRCh37 (hg19) VCF-style: chr9-135779133-CAT-C.
Other names: c.2111_2112delAT (NM_000368.4, NM_000368.5); c.2108_2109del, p.Leu702_Tyr703insTer (NM_001162426.2); c.1958_1959del, p.Leu652_Tyr653insTer (NM_001162427.2); c.1748_1749del, p.Leu582_Tyr583insTer (NM_001362177.2).
Identifiers: ClinVar variation 48905 (VCV000048905.17), dbSNP rs118203645, ClinGen allele CA006036.